The following is an entry in ClinVar:

ClinVar aggregate classification (germline): Uncertain significance (1 of 4 stars; one submission).

Allele frequency attached by ClinVar (database versions not stated): gnomAD exomes below 0.00001; gnomAD 0.00001; TOPMed 0.00002.
gnomAD v4.1: 3 of 1,613,630 alleles (0.00019%); highest among the groups gnomAD compares: Middle Eastern, 0.016%; no homozygotes.

Submission:

Labcorp Genetics (formerly Invitae), Labcorp
Classification: Uncertain significance. Last evaluated: 2025-08-25. Review status: criteria provided, single submitter. Criteria: Invitae Variant Classification Sherloc (09022015). Collection method: clinical testing. Allele origin: germline.
Comment: This sequence change replaces proline, which is neutral and non-polar, with serine, which is neutral and polar, at codon 184 of the ASXL2 protein (p.Pro184Ser). This variant is not present in population databases (gnomAD no frequency). This variant has not been reported in the literature in individuals affected with ASXL2-related conditions. ClinVar contains an entry for this variant (Variation ID: 1925716). Invitae Evidence Modeling of protein sequence and biophysical properties (such as structural, functional, and spatial information, amino acid conservation, physicochemical variation, residue mobility, and thermodynamic stability) indicates that this missense variant is not expected to disrupt ASXL2 protein function with a negative predictive value of 80%. In summary, the available evidence is currently insufficient to determine the role of this variant in disease. Therefore, it has been classified as a Variant of Uncertain Significance.

NM_018263.6(ASXL2):c.550C>T (p.Pro184Ser)

Gene: ASXL2 (ASXL transcriptional regulator 2; minus strand). Cytogenetic location: 2p23.3.
Variant type: single nucleotide variant.
Coding change: c.550C>T on transcript NM_018263.6 (MANE Select); coding-DNA position 550, C replaced by T.
Protein change: p.Pro184Ser; replaces proline 184 with serine.
Molecular consequence: missense variant. On other transcripts: 5 prime UTR variant (1).
Genome position (GRCh38, 1-based): chr2:25,768,823, G>A on the plus strand (C>T on the coding strand, the complement: ASXL2 is on the minus strand). VCF-style: chr2-25768823-G-A. GRCh37 (hg19) VCF-style: chr2-25991692-G-A.
Other names: c.376C>T, p.Pro126Ser (NM_001369346.1); c.-231C>T (NM_001369347.1); short protein forms P126S, P184S.
Identifiers: ClinVar variation 1925716 (VCV001925716.5), dbSNP rs2088397716, ClinGen allele CA346082379.